The following is an entry in ClinVar:

ClinVar aggregate classification (germline): Pathogenic/Likely pathogenic. Review status: criteria provided, multiple submitters, no conflicts (2 of 4 stars). 4 submissions from 4 submitters: Pathogenic (1); Likely pathogenic (2). 1 of the submissions does not count toward it. Last evaluated 2023-10-25.

Conditions:
Bronchiectasis with or without elevated sweat chloride 1 (BESC1). Also called: Cystic Fibrosis-Like Syndrome. Identifiers: Orphanet 60033, MedGen C2749757, MONDO:0008887, OMIM 211400.
Cystic fibrosis (CF). Also called: MUCOVISCIDOSIS. Identifiers: Orphanet 586, MedGen C0010674, MONDO:0009061, OMIM 219700. Disease mechanism: loss of function.

Submissions (4):

Women's Health and Genetics/Laboratory Corporation of America, LabCorp
Classification: Likely pathogenic for Cystic fibrosis. Last evaluated: 2023-10-25. Review status: criteria provided, single submitter. Criteria: LabCorp Variant Classification Summary - May 2015. Collection method: clinical testing. Allele origin: germline.
Comment: Variant summary: CFTR c.3194T>G (p.Leu1065Arg) results in a non-conservative amino acid change located in the ABC transporter type 1, transmembrane domain (IPR011527) of the encoded protein sequence. Five of five in-silico tools predict a damaging effect of the variant on protein function. The variant was absent in 250896 control chromosomes (gnomAD). c.3194T>G has been reported in the literature in the compound heterozygous state in comprehensively genotyped individuals affected with Cystic Fibrosis, including one case of de novo inheritance (e.g. Casals_1998, Schippa_2013, Zietkiwicz_2014). These data indicate that the variant is likely associated with disease. To our knowledge, no experimental evidence demonstrating an impact on protein function has been reported. However, another variant affecting the same amino acid (i.e. p.L1065P) has been classified as pathogenic, suggesting this residue may be important for CFTR function. The following publications have been ascertained in the context of this evaluation (PMID: 9439669, 27157324, 23613805, 24586523). One submitter has cited a clinical-significance assessment for this variant to ClinVar after 2014 and has classified the variant as pathogenic. Based on the evidence outlined above, the variant was classified as likely pathogenic.

Institute of Human Genetics, University of Leipzig Medical Center
Classification: Pathogenic for Cystic fibrosis. Last evaluated: 2022-09-05. Review status: criteria provided, single submitter. Criteria: ACMG Guidelines, 2015. Collection method: curation. Allele origin: unknown. Affected: yes. Observed: 1 variant allele.
Comment: The variant was classified in the context of a project re-classifying variants in the German Cystic Fibrosis Registry (Muko.e.V.). Criteria applied: PS2, PM2_SUP, PM3, PM5_STR, PP3, PP4

Baylor Genetics
Classification: Likely pathogenic for Bronchiectasis with or without elevated sweat chloride 1. Last evaluated: 2022-08-27. Review status: criteria provided, single submitter. Criteria: ACMG Guidelines, 2015. Collection method: clinical testing. Allele origin: unknown.

ClinVar Staff, National Center for Biotechnology Information (NCBI)
No classification provided. Condition: CFTR-related disorders. Review status: no classification provided. Collection method: literature only. Allele origin: germline. Affected: yes. Not counted in ClinVar's aggregate classification.

Literature cited by the submitters: PubMed 9439669 (cited by Women's Health and Genetics/Laboratory Corporation of America, LabCorp); PubMed 24586523 (cited by Women's Health and Genetics/Laboratory Corporation of America, LabCorp); PubMed 27157324 (cited by Women's Health and Genetics/Laboratory Corporation of America, LabCorp); PubMed 23613805 (cited by Women's Health and Genetics/Laboratory Corporation of America, LabCorp); PubMed 17331079 (cited by ClinVar Staff, National Center for Biotechnology Information (NCBI)).

NM_000492.4(CFTR):c.3194T>G (p.Leu1065Arg)

Genes: CFTR (CF transmembrane conductance regulator; plus strand), CFTR-AS2 (CFTR antisense RNA 2; minus strand), LOC111674472 (DNase I hypersensitive sites in introns 16 and 17a of CFTR; plus strand). Cytogenetic location: 7q31.2.
Variant type: single nucleotide variant.
Coding change: c.3194T>G on transcript NM_000492.4 (MANE Select); coding-DNA position 3194, T replaced by G.
Protein change: p.Leu1065Arg; replaces leucine 1065 with arginine.
Molecular consequence: missense variant.
Genome position (GRCh38, 1-based): chr7:117,611,635, T>G. VCF-style: chr7-117611635-T-G. GRCh37 (hg19) VCF-style: chr7-117251689-T-G.
Other names: short protein forms L1065R.
Identifiers: ClinVar variation 53676 (VCV000053676.5), dbSNP rs121909036, ClinGen allele CA327084.